The following is an entry in ClinVar:

ClinVar aggregate classification (germline): Likely benign (0 of 4 stars; one submission).

Conditions:
IFT74-related disorder. Also called: IFT74-related condition; IFT74-Related Disorders.

Submission:

PreventionGenetics, part of Exact Sciences
Classification: Likely benign for IFT74-related condition. Last evaluated: 2023-11-02. Review status: no assertion criteria provided. Collection method: clinical testing. Allele origin: germline.
Comment: This variant is classified as likely benign based on ACMG/AMP sequence variant interpretation guidelines (Richards et al. 2015 PMID: 25741868, with internal and published modifications).

NM_025103.4(IFT74):c.121-8T>A

Gene: IFT74 (intraflagellar transport 74; plus strand). Cytogenetic location: 9p21.2.
Variant type: single nucleotide variant.
Coding change: c.121-8T>A on transcript NM_025103.4 (MANE Select); 8 bases into the intron before coding-DNA position 121, T replaced by A.
Molecular consequence: intron variant.
Genome position (GRCh38, 1-based): chr9:26,978,120, T>A. VCF-style: chr9-26978120-T-A. GRCh37 (hg19) VCF-style: chr9-26978118-T-A.
Other names: c.121-8T>A (NM_001099223.3, NM_001099222.3, NM_001349928.2 and 1 more transcripts).
Identifiers: ClinVar variation 3349607 (VCV003349607.1).